The following is an entry in ClinVar:

ClinVar aggregate classification (germline): Uncertain significance. Review status: criteria provided, multiple submitters, no conflicts (2 of 4 stars). 2 submissions from 2 submitters: Uncertain significance (2). Last evaluated 2026-07-01.

Conditions:
Glycogen storage disease, type II (IOPD). Also called: CARDIOMEGALIA GLYCOGENICA DIFFUSA; GLYCOGENOSIS, GENERALIZED, CARDIAC FORM; GSD II; Glycogen storage disease type 2; Acid maltase deficiency disease; Aglucosidase alfa. Identifiers: Orphanet 365, MedGen C0017921, MONDO:0009290, OMIM 232300.

Submissions (2):

Genomenon, Inc
Classification: Uncertain significance for Glycogen storage disease, type II. Last evaluated: 2026-07-01. Review status: criteria provided, single submitter. Criteria: Genomenon Sequence Variant Interpretation Standards - Updated. Collection method: curation. Allele origin: germline. Affected: no.
Comment: GAA p.Pro238Leu (c.713C>T) is a missense variant that changes the amino acid at codon 238 from Proline to Leucine. This variant has been reported in the published literature (PMID:34530085). It is absent or not present at a significant frequency in gnomAD. In silico models predict that this variant is possibly or probably damaging. In conclusion, we classify GAA p.Pro238Leu (c.713C>T) as a variant of uncertain significance.

Revvity Omics, Revvity
Classification: Uncertain significance. Last evaluated: 2020-01-22. Review status: criteria provided, single submitter. Criteria: ACMG Guidelines, 2015. Collection method: clinical testing. Allele origin: germline.

Literature cited by the submitters: PubMed 34530085 (cited by Genomenon, Inc).

NM_000152.5(GAA):c.713C>T (p.Pro238Leu)

Gene: GAA (alpha glucosidase; plus strand). Cytogenetic location: 17q25.3.
Variant type: single nucleotide variant.
Coding change: c.713C>T on transcript NM_000152.5 (MANE Select); coding-DNA position 713, C replaced by T.
Protein change: p.Pro238Leu; replaces proline 238 with leucine.
Molecular consequence: missense variant.
Genome position (GRCh38, 1-based): chr17:80,107,577, C>T. VCF-style: chr17-80107577-C-T. GRCh37 (hg19) VCF-style: chr17-78081376-C-T.
Other names: c.713C>T, p.Pro238Leu (NM_001079803.3, NM_001079804.3, NM_001406741.1 and 1 more transcripts); short protein forms P238L.
Identifiers: ClinVar variation 2431971 (VCV002431971.4), dbSNP rs2510357409, ClinGen allele CA401363081.